The following is an entry in ClinVar:

ClinVar aggregate classification (germline): Uncertain significance. Review status: criteria provided, multiple submitters, no conflicts (2 of 4 stars). 2 submissions from 2 submitters: Uncertain significance (2). Last evaluated 2025-10-06.

Conditions:
Usher syndrome type 3B. Also called: USHER SYNDROME, TYPE IIIB. Identifiers: MedGen C3281066, MONDO:0013788, OMIM 614504.

Submissions (2):

Ambry Genetics
Classification: Uncertain significance. Last evaluated: 2025-10-06. Review status: criteria provided, single submitter. Criteria: Ambry Variant Classification Scheme 2023. Collection method: clinical testing. Allele origin: germline.

Labcorp Genetics (formerly Invitae), Labcorp
Classification: Uncertain significance for Usher syndrome type 3B. Last evaluated: 2025-05-28. Review status: criteria provided, single submitter. Criteria: Invitae Variant Classification Sherloc (09022015). Collection method: clinical testing. Allele origin: germline.
Comment: This sequence change replaces glycine, which is neutral and non-polar, with valine, which is neutral and non-polar, at codon 361 of the HARS protein (p.Gly361Val). This variant is not present in population databases (gnomAD no frequency). This variant has not been reported in the literature in individuals affected with HARS-related conditions. Invitae Evidence Modeling of protein sequence and biophysical properties (such as structural, functional, and spatial information, amino acid conservation, physicochemical variation, residue mobility, and thermodynamic stability) indicates that this missense variant is expected to disrupt HARS protein function with a positive predictive value of 80%. In summary, the available evidence is currently insufficient to determine the role of this variant in disease. Therefore, it has been classified as a Variant of Uncertain Significance.

NM_002109.6(HARS1):c.1082G>T (p.Gly361Val)

Gene: HARS1 (histidyl-tRNA synthetase 1; minus strand). Cytogenetic location: 5q31.3.
Variant type: single nucleotide variant.
Coding change: c.1082G>T on transcript NM_002109.6 (MANE Select); coding-DNA position 1082, G replaced by T.
Protein change: p.Gly361Val; replaces glycine 361 with valine.
Molecular consequence: missense variant.
Genome position (GRCh38, 1-based): chr5:140,676,766, C>A on the plus strand (G>T on the coding strand, the complement: HARS1 is on the minus strand). VCF-style: chr5-140676766-C-A. GRCh37 (hg19) VCF-style: chr5-140056351-C-A.
Other names: c.962G>T, p.Gly321Val (NM_001258040.3); c.1022G>T, p.Gly341Val (NM_001258041.3); c.902G>T, p.Gly301Val (NM_001258042.3); c.860G>T, p.Gly287Val (NM_001289092.2); c.740G>T, p.Gly247Val (NM_001289093.2); c.995G>T, p.Gly332Val (NM_001289094.2); short protein forms G247V, G301V, G361V, G287V, G332V, G321V, G341V.
Identifiers: ClinVar variation 4674935 (VCV004674935.2).
Genomic context (GRCh38, chr5:140,676,766, plus strand): 5'-CCCACACATGGCACCTTGCGCCCTTTGGGGTCGAACATGCCCACTAGCCCATCATAGCGT[C>A]CTCCAGCAGCCACACTGCCCACACCCAGGGGCTCTTCCCCTGCCTGGGCTGGGGTCTGTA-3'
Protein context (NP_002100.2, residues 351-371): PLGVGSVAAG[Gly361Val]RYDGLVGMFD